The following is an entry in ClinVar:

ClinVar aggregate classification (germline): Likely benign (1 of 4 stars; one submission).

gnomAD v4.1: 264 of 398,614 alleles (0.066%); highest among the groups gnomAD compares: Non-Finnish European, 0.071%; no homozygotes.

Submission:

CeGaT Center for Human Genetics Tuebingen
Classification: Likely benign. Last evaluated: 2026-09-01. Review status: criteria provided, single submitter. Criteria: CeGaT Center For Human Genetics Tuebingen Variant Classification Criteria Version 2. Collection method: clinical testing. Allele origin: germline. Affected: yes. Observed: 4 variant alleles.
Comment: KCNQ1OT1: BS2

NM_000218.3(KCNQ1):c.1394-15605T>A

Genes: KCNQ1 (potassium voltage-gated channel subfamily Q member 1; plus strand), KCNQ1OT1 (KCNQ1 opposite strand/antisense transcript 1; minus strand). Cytogenetic location: 11p15.5.
Variant type: single nucleotide variant.
Coding change: c.1394-15605T>A on transcript NM_000218.3 (MANE Select); 15605 bases into the intron before coding-DNA position 1394, T replaced by A.
Molecular consequence: intron variant. On other transcripts: non-coding transcript variant (1).
Genome position (GRCh38, 1-based): chr11:2,646,356, T>A. VCF-style: chr11-2646356-T-A. GRCh37 (hg19) VCF-style: chr11-2667586-T-A.
Other names: c.1124-15605T>A (NM_001406837.1); c.1298-15605T>A (NM_001406836.1); c.854-15605T>A (NM_001406838.1); c.1013-15605T>A (NM_181798.2).
Identifiers: ClinVar variation 3389320 (VCV003389320.14).